The following is an entry in ClinVar:

ClinVar aggregate classification (germline): Uncertain significance. Review status: criteria provided, multiple submitters, no conflicts (2 of 4 stars). 2 submissions from 2 submitters: Uncertain significance (2). Last evaluated 2024-10-28.

Conditions:
Inborn genetic diseases. Identifiers: MedGen C0950123, MeSH D030342.

Allele frequency attached by ClinVar (database versions not stated): gnomAD 0.00002 and 0.00003; gnomAD exomes 0.00002; ExAC 0.00003; TOPMed 0.00004.
gnomAD v4.1: 39 of 1,613,988 alleles (0.0024%); highest among the groups gnomAD compares: Admixed American, 0.005%; no homozygotes.

Submissions (2):

Ambry Genetics
Classification: Uncertain significance for Inborn genetic diseases. Last evaluated: 2024-10-28. Review status: criteria provided, single submitter. Criteria: Ambry Variant Classification Scheme 2023. Collection method: clinical testing. Allele origin: germline.

Labcorp Genetics (formerly Invitae), Labcorp
Classification: Uncertain significance. Last evaluated: 2022-07-11. Review status: criteria provided, single submitter. Criteria: Invitae Variant Classification Sherloc (09022015). Collection method: clinical testing. Allele origin: germline.
Comment: This sequence change replaces glutamine, which is neutral and polar, with leucine, which is neutral and non-polar, at codon 97 of the ERCC2 protein (p.Gln97Leu). This variant is present in population databases (rs762743220, gnomAD 0.004%). This variant has not been reported in the literature in individuals affected with ERCC2-related conditions. ClinVar contains an entry for this variant (Variation ID: 1427005). Algorithms developed to predict the effect of missense changes on protein structure and function are either unavailable or do not agree on the potential impact of this missense change (SIFT: "Deleterious"; PolyPhen-2: "Benign"; Align-GVGD: "Class C0"). In summary, the available evidence is currently insufficient to determine the role of this variant in disease. Therefore, it has been classified as a Variant of Uncertain Significance.

NM_000400.4(ERCC2):c.290A>T (p.Gln97Leu)

Gene: ERCC2 (ERCC excision repair 2, TFIIH core complex helicase subunit; minus strand). Cytogenetic location: 19q13.32.
Variant type: single nucleotide variant.
Coding change: c.290A>T on transcript NM_000400.4 (MANE Select); coding-DNA position 290, A replaced by T.
Protein change: p.Gln97Leu; replaces glutamine 97 with leucine.
Molecular consequence: missense variant.
Genome position (GRCh38, 1-based): chr19:45,368,700, T>A on the plus strand (A>T on the coding strand, the complement: ERCC2 is on the minus strand). VCF-style: chr19-45368700-T-A. GRCh37 (hg19) VCF-style: chr19-45871958-T-A.
Other names: c.218A>T, p.Gln73Leu (NM_001130867.2); short protein forms Q73L, Q97L.
Identifiers: ClinVar variation 1427005 (VCV001427005.6), dbSNP rs762743220, ClinGen allele CA9513837.